The following is an entry in ClinVar:

NM_172201.2(KCNE2):c.369dup (p.Ter124LeuextTer?)

Genes: KCNE2 (potassium voltage-gated channel subfamily E regulatory subunit 2; plus strand), LOC105372791 (uncharacterized LOC105372791; minus strand). Cytogenetic location: 21q22.11.
Variant type: Duplication.
Coding change: c.369dup on transcript NM_172201.2 (MANE Select); coding-DNA position 369, one base duplicated (C; older notation c.369dupC).
Protein change: p.Ter124LeuextTer?.
Molecular consequence: frameshift variant, stop lost. On other transcripts: non-coding transcript variant (2).
Genome position (GRCh38, 1-based): chr21:34,370,847, C duplicated; the last of 5 consecutive C bases (chr21:34,370,843-34,370,847); duplicating any one gives the same sequence. VCF-style (leftmost placement, unchanged base first): chr21-34370842-T-TC. GRCh37 (hg19) VCF-style: chr21-35743141-T-TC.
Identifiers: ClinVar variation 2911427 (VCV002911427.3), dbSNP rs756561888, ClinGen allele CA10013449.

ClinVar aggregate classification (germline): Uncertain significance (1 of 4 stars; one submission).

Conditions:
Long QT syndrome 6 (LQT6). Identifiers: Orphanet 101016, Orphanet 768, MedGen C3150953, MONDO:0013370, OMIM 613693.

Submission:

Labcorp Genetics (formerly Invitae), Labcorp
Classification: Uncertain significance for Long QT syndrome 6. Last evaluated: 2023-07-15. Review status: criteria provided, single submitter. Criteria: Invitae Variant Classification Sherloc (09022015). Collection method: clinical testing. Allele origin: germline.
Comment: This variant has not been reported in the literature in individuals affected with KCNE2-related conditions. This sequence change disrupts the translational stop signal of the KCNE2 mRNA. It is expected to extend the length of the KCNE2 protein by 15 additional amino acid residues. This variant is present in population databases (rs756561888, gnomAD 0.007%). Experimental studies and prediction algorithms are not available or were not evaluated, and the functional significance of this variant is currently unknown. In summary, the available evidence is currently insufficient to determine the role of this variant in disease. Therefore, it has been classified as a Variant of Uncertain Significance.